The following is an entry in ClinVar:

NM_012463.4(ATP6V0A2):c.388C>T (p.His130Tyr)

Gene: ATP6V0A2 (ATPase H+ transporting V0 subunit a2; plus strand). Cytogenetic location: 12q24.31.
Variant type: single nucleotide variant.
Coding change: c.388C>T on transcript NM_012463.4 (MANE Select); coding-DNA position 388, C replaced by T.
Protein change: p.His130Tyr; replaces histidine 130 with tyrosine.
Molecular consequence: missense variant.
Genome position (GRCh38, 1-based): chr12:123,724,747, C>T. VCF-style: chr12-123724747-C-T. GRCh37 (hg19) VCF-style: chr12-124209294-C-T.
Other names: short protein forms H130Y.
Identifiers: ClinVar variation 423619 (VCV000423619.24), dbSNP rs199801221, ClinGen allele CA6861590.
Genomic context (GRCh38, chr12:123,724,747, plus strand): 5'-GAAGTCACTAAGAACAAGGAGAAACTGAGGAAAAACTTGCTGGAACTGATAGAGTACACT[C>T]ACATGCTGAGAGTGACAAAGACCTTTGTGAAACGCAATGTTGAGGTACTGAACAGCTCGT-3'
Protein context (NP_036595.2, residues 120-140): KNLLELIEYT[His130Tyr]MLRVTKTFVK

ClinVar aggregate classification (germline): Conflicting classifications of pathogenicity. Review status: criteria provided, conflicting classifications (1 of 4 stars). 4 submissions from 4 submitters: Uncertain significance (2); Likely benign (1). 1 of the submissions does not count toward it. Last evaluated 2024-11-01.

Conditions:
ATP6V0A2-related disorder. Also called: ATP6V0A2-related condition.
ALG9 congenital disorder of glycosylation (CDG1L). Also called: CONGENITAL DISORDER OF GLYCOSYLATION, TYPE Il; CDG Il; ALG9-CDG. Identifiers: Orphanet 79328, MedGen C2931006, MONDO:0012117, OMIM 608776.

Allele frequency attached by ClinVar (database versions not stated): gnomAD exomes 0.00003 and 0.00021; gnomAD 0.00005 and 0.00006; TOPMed 0.00005; 1000 Genomes Project 30x 0.00016; 1000 Genomes Project 0.00020; ExAC 0.00021.

Submissions (4):

CeGaT Center for Human Genetics Tuebingen
Classification: Uncertain significance. Last evaluated: 2024-11-01. Review status: criteria provided, single submitter. Criteria: CeGaT Center For Human Genetics Tuebingen Variant Classification Criteria Version 2. Collection method: clinical testing. Allele origin: germline. Affected: yes. Observed: 1 variant allele.
Comment: ATP6V0A2: PM2

Labcorp Genetics (formerly Invitae), Labcorp
Classification: Likely benign for ALG9 congenital disorder of glycosylation. Last evaluated: 2024-06-23. Review status: criteria provided, single submitter. Criteria: Invitae Variant Classification Sherloc (09022015). Collection method: clinical testing. Allele origin: germline.

GeneDx
Classification: Uncertain significance. Last evaluated: 2022-03-18. Review status: criteria provided, single submitter. Criteria: GeneDx Variant Classification Process June 2021. Collection method: clinical testing. Allele origin: germline. Affected: yes.
Comment: In silico analysis supports that this missense variant has a deleterious effect on protein structure/function; Has not been previously published as pathogenic or benign to our knowledge

PreventionGenetics, part of Exact Sciences
Classification: Likely benign for ATP6V0A2-related condition. Last evaluated: 2023-11-11. Review status: no assertion criteria provided. Collection method: clinical testing. Allele origin: germline. Not counted in ClinVar's aggregate classification.
Comment: This variant is classified as likely benign based on ACMG/AMP sequence variant interpretation guidelines (Richards et al. 2015 PMID: 25741868, with internal and published modifications).